The following is an entry in ClinVar:

NM_138413.4(HOGA1):c.*498G>A

Gene: HOGA1 (4-hydroxy-2-oxoglutarate aldolase 1; plus strand). Cytogenetic location: 10q24.2.
Variant type: single nucleotide variant.
Coding change: c.*498G>A on transcript NM_138413.4 (MANE Select); 498 bases downstream of the stop codon, G replaced by A.
Molecular consequence: 3 prime UTR variant.
Genome position (GRCh38, 1-based): chr10:97,612,157, G>A. VCF-style: chr10-97612157-G-A. GRCh37 (hg19) VCF-style: chr10-99371914-G-A.
Other names: c.*498G>A (NM_001134670.2).
Identifiers: ClinVar variation 301818 (VCV000301818.6), dbSNP rs2018017, ClinGen allele CA10632987.

ClinVar aggregate classification (germline): Benign. Review status: criteria provided, multiple submitters, no conflicts (2 of 4 stars). 2 submissions from 2 submitters: Benign (2). Last evaluated 2018-01-13.

Conditions:
Primary hyperoxaluria type 3. Also called: PH III. Identifiers: Orphanet 416, Orphanet 93600, MedGen C3150878, MONDO:0013327, OMIM 613616. Disease mechanism: loss of function.

Allele frequency attached by ClinVar (database versions not stated): gnomAD exomes 0.26182; 1000 Genomes Project 0.37939; 1000 Genomes Project 30x 0.38367; gnomAD 0.39672 and 0.40451; TOPMed 0.40674.
gnomAD v4.1: 60,568 of 154,168 alleles (39%); highest among the groups gnomAD compares: African/African-American, 58%; 12,952 homozygotes.

Submissions (2):

Illumina Laboratory Services, Illumina
Classification: Benign for Primary hyperoxaluria type 3. Last evaluated: 2018-01-13. Review status: criteria provided, single submitter. Criteria: ICSL Variant Classification Criteria 13 December 2019. Collection method: clinical testing. Allele origin: germline.
Comment: This variant was observed in the ICSL laboratory as part of a predisposition screen in an ostensibly healthy population. It had not been previously curated by ICSL or reported in the Human Gene Mutation Database (HGMD: prior to June 1st, 2018), and was therefore a candidate for classification through an automated scoring system. Utilizing variant allele frequency, disease prevalence and penetrance estimates, and inheritance mode, an automated score was calculated to assess if this variant is too frequent to cause the disease. Based on the score and internal cut-off values, a variant classified as benign is not then subjected to further curation. The score for this variant resulted in a classification of benign for this disease.

Breakthrough Genomics
Classification: Benign. Review status: criteria provided, single submitter. Criteria: ACMG Guidelines, 2015. Collection method: not provided. Allele origin: germline. Inheritance: Autosomal recessive inheritance. Affected: yes.